The following is an entry in ClinVar:

ClinVar aggregate classification (germline): Uncertain significance. Review status: criteria provided, multiple submitters, no conflicts (2 of 4 stars). 4 submissions from 4 submitters: Uncertain significance (4). Last evaluated 2024-01-08.

Conditions:
Ritscher-Schinzel syndrome. Also called: CRANIOCEREBELLOCARDIAC DYSPLASIA. Identifiers: Orphanet 7, MedGen C0796137, MONDO:0019078.
Hereditary spastic paraplegia 8 (SPG8). Also called: SPASTIC PARAPLEGIA 8, AUTOSOMAL DOMINANT. Identifiers: Orphanet 100989, MedGen C1863704, MONDO:0011339, OMIM 603563.
Hereditary spastic paraplegia. Also called: Familial spastic paraparesis. Identifiers: Orphanet 685, MedGen C0037773, MONDO:0019064. Disease mechanism: loss of function.

Allele frequency attached by ClinVar (database versions not stated): ExAC 0.00002; gnomAD exomes 0.00003 and 0.00007; TOPMed 0.00008; gnomAD 0.00007; ESP Exome Variant Server 0.00015.
gnomAD v4.1: 106 of 1,614,012 alleles (0.0066%); highest among the groups gnomAD compares: Non-Finnish European, 0.0083%; no homozygotes.

Submissions (4):

Labcorp Genetics (formerly Invitae), Labcorp
Classification: Uncertain significance for Ritscher-Schinzel syndrome; Hereditary spastic paraplegia 8. Last evaluated: 2024-01-08. Review status: criteria provided, single submitter. Criteria: Invitae Variant Classification Sherloc (09022015). Collection method: clinical testing. Allele origin: germline.
Comment: This sequence change replaces isoleucine, which is neutral and non-polar, with threonine, which is neutral and polar, at codon 1099 of the KIAA0196 protein (p.Ile1099Thr). This variant is present in population databases (rs373599521, gnomAD 0.006%). This variant has not been reported in the literature in individuals affected with KIAA0196-related conditions. ClinVar contains an entry for this variant (Variation ID: 196031). Advanced modeling of protein sequence and biophysical properties (such as structural, functional, and spatial information, amino acid conservation, physicochemical variation, residue mobility, and thermodynamic stability) performed at Invitae indicates that this missense variant is not expected to disrupt KIAA0196 protein function with a negative predictive value of 80%. In summary, the available evidence is currently insufficient to determine the role of this variant in disease. Therefore, it has been classified as a Variant of Uncertain Significance.

Mayo Clinic Laboratories, Mayo Clinic
Classification: Uncertain significance. Last evaluated: 2023-02-21. Review status: criteria provided, single submitter. Criteria: ACMG Guidelines, 2015. Collection method: clinical testing. Allele origin: germline. Observed: 2 variant alleles.
Comment: BS2, PP3

Genome Diagnostics Laboratory, The Hospital for Sick Children
Classification: Uncertain significance for Hereditary spastic paraplegia. Last evaluated: 2016-12-12. Review status: criteria provided, single submitter. Criteria: ACMG Guidelines, 2015. Collection method: clinical testing. Allele origin: germline. Affected: yes.

Eurofins Ntd Llc (ga)
Classification: Uncertain significance. Last evaluated: 2015-04-21. Review status: criteria provided, single submitter. Criteria: EGL Classification Definitions 2015. Collection method: clinical testing. Allele origin: germline. Observed: 1 variant allele, 1 heterozygote.

Literature cited by the submitters: PubMed 24215330 (cited by Mayo Clinic Laboratories, Mayo Clinic).

NM_014846.4(WASHC5):c.3296T>C (p.Ile1099Thr)

Genes: WASHC5 (WASH complex subunit 5; minus strand), LOC126860498 (P300/CBP strongly-dependent group 1 enhancer GRCh37_chr8:126043836-126045035; plus strand). Cytogenetic location: 8q24.13.
Variant type: single nucleotide variant.
Coding change: c.3296T>C on transcript NM_014846.4 (MANE Select); coding-DNA position 3296, T replaced by C.
Protein change: p.Ile1099Thr; replaces isoleucine 1099 with threonine.
Molecular consequence: missense variant.
Genome position (GRCh38, 1-based): chr8:125,032,280, A>G on the plus strand (T>C on the coding strand, the complement: WASHC5 is on the minus strand). VCF-style: chr8-125032280-A-G. GRCh37 (hg19) VCF-style: chr8-126044522-A-G.
Other names: p.Ile1099Thr; c.2852T>C, p.Ile951Thr (NM_001330609.2); short protein forms I1099T, I951T.
Identifiers: ClinVar variation 196031 (VCV000196031.17), dbSNP rs373599521, ClinGen allele CA242783.
Genomic context (GRCh38, chr8:125,032,280, plus strand): 5'-GTCCTGGTTGGTCTTCTGTACCTTGTACACTGCTCCACCGTGGAGCAGATAAACTGGCCA[A>G]TCAGCGCCAGGAACTGCTCGGTGTACCGGGAATGGAACTGCTTCAGCAGAGTGAGCAGTC-3'
Protein context (NP_055661.3, residues 1089-1109): SRYTEQFLAL[Ile1099Thr]GQFICSTVEQ